The following is an entry in ClinVar:

NM_001367624.2(ZNF469):c.5519G>A (p.Gly1840Asp)

Gene: ZNF469 (zinc finger protein 469; plus strand). Cytogenetic location: 16q24.2.
Variant type: single nucleotide variant.
Coding change: c.5519G>A on transcript NM_001367624.2 (MANE Select); coding-DNA position 5519, G replaced by A.
Protein change: p.Gly1840Asp; replaces glycine 1840 with aspartic acid.
Molecular consequence: missense variant.
Genome position (GRCh38, 1-based): chr16:88,432,989, G>A. VCF-style: chr16-88432989-G-A. GRCh37 (hg19) VCF-style: chr16-88499397-G-A.
Other names: NM_001127464.1:c.5435G>A; short protein forms G1840D.
Identifiers: ClinVar variation 5032271 (VCV005032271.1).

ClinVar aggregate classification (germline): Uncertain significance (1 of 4 stars; one submission).

Conditions:
Cardiovascular phenotype. Identifiers: MedGen CN230736.

gnomAD v4.1: 2 of 1,550,404 alleles (0.00013%); highest among the groups gnomAD compares: Admixed American, 0.002%; no homozygotes.

Submission:

Ambry Genetics
Classification: Uncertain significance for Cardiovascular phenotype. Last evaluated: 2026-08-31. Review status: criteria provided, single submitter. Criteria: Ambry Variant Classification Scheme 2023. Collection method: clinical testing. Allele origin: germline.
Comment: The p.G1812D variant (also known as c.5435G>A), located in coding exon 2 of the ZNF469 gene, results from a G to A substitution at nucleotide position 5435. The glycine at codon 1812 is replaced by aspartic acid, an amino acid with similar properties. This amino acid position is conserved. In addition, this alteration is predicted to be tolerated by in silico analysis. Based on the available evidence, the clinical significance of this variant remains unclear.